The following is an entry in ClinVar:

NM_016343.4(CENPF):c.3792_3793del (p.Cys1264_Glu1265delinsTer)

Gene: CENPF (centromere protein F; plus strand). Cytogenetic location: 1q41.
Variant type: Microsatellite.
Coding change: c.3792_3793del on transcript NM_016343.4 (MANE Select); coding-DNA positions 3792 to 3793, 2 bases deleted (TG; older notation c.3792_3793delTG).
Protein change: p.Cys1264_Glu1265delinsTer.
Molecular consequence: nonsense.
Genome position (GRCh38, 1-based): chr1:214,642,130-214,642,131, TG deleted; deleting any 2 consecutive bases within chr1:214,642,128-214,642,131 gives the same sequence; the c. name uses the placement nearest the transcript's 3' end. VCF-style (leftmost placement, unchanged base first): chr1-214642127-CTG-C. GRCh37 (hg19) VCF-style: chr1-214815470-CTG-C.
Other names: c.3792_3793delTG (NM_016343.3).
Identifiers: ClinVar variation 981132 (VCV000981132.1).
Genomic context (GRCh38, chr1:214,642,127, plus strand): 5'-AGATCTTGAAACCAGCAATTTGCAAGACATGCAGTCACAAGAAATTAGTGGCCTTAAAGA[CTG>C]TGAAATAGATGCGGAAGAAAAGTATATTTCAGGGCCTCATGAGTTGTCAACAAGTCAAAA-3'

ClinVar aggregate classification (germline): Likely pathogenic (1 of 4 stars; one submission).

Conditions:
CENPF-related disorder. Also called: CENPF-related condition.

Submission:

PreventionGenetics, part of Exact Sciences
Classification: Likely pathogenic for CENPF-related condition. Last evaluated: 2025-02-18. Review status: criteria provided, single submitter. Criteria: ACMG Guidelines, 2015. Collection method: clinical testing. Allele origin: germline.
Comment: The CENPF c.3792_3793delTG variant is predicted to result in premature protein termination (p.Cys1264*). This variant has not been reported in the literature in individuals with CENPF-related disorders. This variant is reported in 0.0033% of alleles in individuals of South Asian descent in gnomAD. Nonsense variants in CENPF are expected to be pathogenic. This variant is interpreted as likely pathogenic.